The following is an entry in ClinVar:

NM_203446.3(SYNJ1):c.*602G>A

Gene: SYNJ1 (synaptojanin 1; minus strand). Cytogenetic location: 21q22.11.
Variant type: single nucleotide variant.
Coding change: c.*602G>A on transcript NM_203446.3 (MANE Select); 602 bases downstream of the stop codon, G replaced by A.
Molecular consequence: 3 prime UTR variant. On other transcripts: missense variant (2).
Genome position (GRCh38, 1-based): chr21:32,631,203, C>T on the plus strand (G>A on the coding strand, the complement: SYNJ1 is on the minus strand). VCF-style: chr21-32631203-C-T. GRCh37 (hg19) VCF-style: chr21-34003513-C-T.
Other names: c.*602G>A (NM_001160302.2); c.4373G>A, p.Gly1458Asp (NM_001160306.2); c.4631G>A, p.Gly1544Asp (NM_003895.4); short protein forms G1544D, G1458D.
Identifiers: ClinVar variation 951973 (VCV000951973.8), dbSNP rs375352780, ClinGen allele CA10003078.

ClinVar aggregate classification (germline): Uncertain significance (1 of 4 stars; one submission).

Conditions:
Early-onset Parkinson disease 20. Also called: PARKINSON DISEASE 20, AUTOSOMAL RECESSIVE EARLY-ONSET. Identifiers: Orphanet 391411, MedGen C3809824, MONDO:0014233, OMIM 615530.
Developmental and epileptic encephalopathy, 53. Also called: Epileptic encephalopathy, early infantile, 53. Identifiers: MedGen C4479313, MONDO:0033362, OMIM 617389.

Allele frequency attached by ClinVar (database versions not stated): gnomAD exomes below 0.00001 and 0.00001; ExAC 0.00001; gnomAD 0.00002; TOPMed 0.00002; ESP Exome Variant Server 0.00008.

Submission:

Labcorp Genetics (formerly Invitae), Labcorp
Classification: Uncertain significance for Developmental and epileptic encephalopathy, 53; Early-onset Parkinson disease 20. Last evaluated: 2020-08-31. Review status: criteria provided, single submitter. Criteria: Invitae Variant Classification Sherloc (09022015). Collection method: clinical testing. Allele origin: germline.
Comment: Algorithms developed to predict the effect of missense changes on protein structure and function output the following: SIFT: "Tolerated"; PolyPhen-2: "Benign"; Align-GVGD: "Class C0". The aspartic acid amino acid residue is found in multiple mammalian species, suggesting that this missense change does not adversely affect protein function. These predictions have not been confirmed by published functional studies and their clinical significance is uncertain. In summary, the available evidence is currently insufficient to determine the role of this variant in disease. Therefore, it has been classified as a Variant of Uncertain Significance. This variant has not been reported in the literature in individuals with SYNJ1-related conditions. This variant is present in population databases (rs375352780, ExAC 0.01%). This sequence change replaces glycine with aspartic acid at codon 1544 of the SYNJ1 protein (p.Gly1544Asp). The glycine residue is moderately conserved and there is a moderate physicochemical difference between glycine and aspartic acid.